The following is an entry in ClinVar:

ClinVar aggregate classification (germline): Uncertain significance. Review status: criteria provided, multiple submitters, no conflicts (2 of 4 stars). 2 submissions from 2 submitters: Uncertain significance (2). Last evaluated 2023-06-30.

Conditions:
Multiple acyl-CoA dehydrogenase deficiency (MADD). Also called: ETHYLMALONIC-ADIPICACIDURIA; GA II; Glutaric acidemia type II; GA 2; Glutaric Acidemia type 2; Glutaric aciduria, type 2. Identifiers: Orphanet 26791, MedGen C0268596, MONDO:0009282, OMIM 231680.
Inborn genetic diseases. Identifiers: MedGen C0950123, MeSH D030342.

Allele frequency attached by ClinVar (database versions not stated): ExAC 0.00001; gnomAD exomes 0.00001 and 0.00002; TOPMed 0.00001.
gnomAD v4.1: 4 of 1,613,906 alleles (0.00025%); highest among the groups gnomAD compares: Admixed American, 0.0067%; no homozygotes.

Submissions (2):

Ambry Genetics
Classification: Uncertain significance for Inborn genetic diseases. Last evaluated: 2023-06-30. Review status: criteria provided, single submitter. Criteria: Ambry Variant Classification Scheme 2023. Collection method: clinical testing. Allele origin: germline.

Labcorp Genetics (formerly Invitae), Labcorp
Classification: Uncertain significance for Multiple acyl-CoA dehydrogenase deficiency. Last evaluated: 2022-07-19. Review status: criteria provided, single submitter. Criteria: Invitae Variant Classification Sherloc (09022015). Collection method: clinical testing. Allele origin: germline.
Comment: This sequence change replaces glutamic acid, which is acidic and polar, with lysine, which is basic and polar, at codon 50 of the ETFA protein (p.Glu50Lys). This variant is present in population databases (rs780880209, gnomAD 0.01%). This variant has not been reported in the literature in individuals affected with ETFA-related conditions. ClinVar contains an entry for this variant (Variation ID: 1448999). Algorithms developed to predict the effect of missense changes on protein structure and function (SIFT, PolyPhen-2, Align-GVGD) all suggest that this variant is likely to be tolerated. Algorithms developed to predict the effect of sequence changes on RNA splicing suggest that this variant may create or strengthen a splice site. In summary, the available evidence is currently insufficient to determine the role of this variant in disease. Therefore, it has been classified as a Variant of Uncertain Significance.

NM_000126.4(ETFA):c.148G>A (p.Glu50Lys)

Gene: ETFA (electron transfer flavoprotein subunit alpha; minus strand). Cytogenetic location: 15q24.2.
Variant type: single nucleotide variant.
Coding change: c.148G>A on transcript NM_000126.4 (MANE Select); coding-DNA position 148, G replaced by A.
Protein change: p.Glu50Lys; replaces glutamic acid 50 with lysine.
Molecular consequence: missense variant. On other transcripts: intron variant (1).
Genome position (GRCh38, 1-based): chr15:76,295,629, C>T on the plus strand (G>A on the coding strand, the complement: ETFA is on the minus strand). VCF-style: chr15-76295629-C-T. GRCh37 (hg19) VCF-style: chr15-76587970-C-T.
Other names: c.40-2929G>A (NM_001127716.2); c.148G>A (NM_000126.3); short protein forms E50K.
Identifiers: ClinVar variation 1448999 (VCV001448999.9), dbSNP rs780880209, ClinGen allele CA7673854.